The following is an entry in ClinVar:

ClinVar aggregate classification (germline): Uncertain significance. Review status: criteria provided, multiple submitters, no conflicts (2 of 4 stars). 2 submissions from 2 submitters: Uncertain significance (2). Last evaluated 2024-01-16.

Conditions:
Megaconial type congenital muscular dystrophy (MDCMC). Also called: CHKB-Related Muscular Dystrophy; CHKB-Related Muscle Diseases; MUSCULAR DYSTROPHY, CONGENITAL, WITH MITOCHONDRIAL STRUCTURAL ABNORMALITIES. Identifiers: Orphanet 280671, MedGen C1865233, MONDO:0011246, OMIM 602541.

Allele frequency attached by ClinVar (database versions not stated): gnomAD 0.00001; TOPMed 0.00002.
gnomAD v4.1: 9 of 1,610,216 alleles (0.00056%); highest among the groups gnomAD compares: Admixed American, 0.005%; no homozygotes.

Submissions (2):

Revvity Omics, Revvity
Classification: Uncertain significance for Megaconial type congenital muscular dystrophy. Last evaluated: 2024-01-16. Review status: criteria provided, single submitter. Criteria: ACMG Guidelines, 2015. Collection method: clinical testing. Allele origin: germline.

Labcorp Genetics (formerly Invitae), Labcorp
Classification: Uncertain significance for Megaconial type congenital muscular dystrophy. Last evaluated: 2023-05-09. Review status: criteria provided, single submitter. Criteria: Invitae Variant Classification Sherloc (09022015). Collection method: clinical testing. Allele origin: germline.
Comment: ClinVar contains an entry for this variant (Variation ID: 2072344). This sequence change replaces proline, which is neutral and non-polar, with leucine, which is neutral and non-polar, at codon 29 of the CHKB protein (p.Pro29Leu). This variant is present in population databases (rs768840882, gnomAD 0.009%). This variant has not been reported in the literature in individuals affected with CHKB-related conditions. Algorithms developed to predict the effect of missense changes on protein structure and function output the following: SIFT: "Not Available"; PolyPhen-2: "Benign"; Align-GVGD: "Not Available". The leucine amino acid residue is found in multiple mammalian species, which suggests that this missense change does not adversely affect protein function. In summary, the available evidence is currently insufficient to determine the role of this variant in disease. Therefore, it has been classified as a Variant of Uncertain Significance.

NM_005198.5(CHKB):c.86C>T (p.Pro29Leu)

Genes: CHKB-CPT1B (CHKB-CPT1B readthrough (NMD candidate); minus strand), CHKB (choline kinase beta; minus strand). Cytogenetic location: 22q13.33.
Variant type: single nucleotide variant.
Coding change: c.86C>T on transcript NM_005198.5 (MANE Select); coding-DNA position 86, C replaced by T.
Protein change: p.Pro29Leu; replaces proline 29 with leucine.
Molecular consequence: missense variant. On other transcripts: non-coding transcript variant (1).
Genome position (GRCh38, 1-based): chr22:50,582,696, G>A on the plus strand (C>T on the coding strand, the complement: CHKB is on the minus strand). VCF-style: chr22-50582696-G-A. GRCh37 (hg19) VCF-style: chr22-51021125-G-A.
Other names: short protein forms P29L.
Identifiers: ClinVar variation 2072344 (VCV002072344.4), dbSNP rs768840882, ClinGen allele CA10323913.
Genomic context (GRCh38, chr22:50,582,696, plus strand): 5'-GCTCGGCGCTCGGCGTCACGCGACAGCGACGAGGCGCGCCGCCGTTTTGGGGTAGTGTCC[G>A]GGCACTTAGACTGCTGCAAGCCGTCTTTGGCCAGGCAGCCGCCAACAGCCCCGCTTCCGG-3'
Protein context (NP_005189.2, residues 19-39): AKDGLQQSKC[Pro29Leu]DTTPKRRRAS